The following is an entry in ClinVar:

NM_000017.4(ACADS):c.910C>T (p.Leu304Phe)

Gene: ACADS (acyl-CoA dehydrogenase short chain; plus strand). Cytogenetic location: 12q24.31.
Variant type: single nucleotide variant.
Coding change: c.910C>T on transcript NM_000017.4 (MANE Select); coding-DNA position 910, C replaced by T.
Protein change: p.Leu304Phe; replaces leucine 304 with phenylalanine.
Molecular consequence: missense variant.
Genome position (GRCh38, 1-based): chr12:120,738,647, C>T. VCF-style: chr12-120738647-C-T. GRCh37 (hg19) VCF-style: chr12-121176450-C-T.
Other names: c.898C>T, p.Leu300Phe (NM_001302554.2); short protein forms L304F, L300F.
Identifiers: ClinVar variation 1993313 (VCV001993313.4), dbSNP rs1404161620, ClinGen allele CA386601348.

ClinVar aggregate classification (germline): Uncertain significance (1 of 4 stars; one submission).

Conditions:
Deficiency of butyryl-CoA dehydrogenase (ACADSD). Also called: ACADS DEFICIENCY; Short-Chain Acyl-CoA Dehydrogenase Deficiency; ACYL-CoA DEHYDROGENASE, SHORT-CHAIN, DEFICIENCY OF; SCAD Deficiency; SCADH DEFICIENCY; SCAD DEFICIENCY, MILD. Identifiers: Orphanet 26792, MedGen C0342783, MONDO:0008722, OMIM 201470. Disease mechanism: May be benign.

Allele frequency attached by ClinVar (database versions not stated): TOPMed below 0.00001.

Submission:

Labcorp Genetics (formerly Invitae), Labcorp
Classification: Uncertain significance for Deficiency of butyryl-CoA dehydrogenase. Last evaluated: 2023-07-21. Review status: criteria provided, single submitter. Criteria: Invitae Variant Classification Sherloc (09022015). Collection method: clinical testing. Allele origin: germline.
Comment: This sequence change replaces leucine, which is neutral and non-polar, with phenylalanine, which is neutral and non-polar, at codon 304 of the ACADS protein (p.Leu304Phe). This variant is present in population databases (no rsID available, gnomAD 0.007%). This variant has not been reported in the literature in individuals affected with ACADS-related conditions. ClinVar contains an entry for this variant (Variation ID: 1993313). Advanced modeling of protein sequence and biophysical properties (such as structural, functional, and spatial information, amino acid conservation, physicochemical variation, residue mobility, and thermodynamic stability) performed at Invitae indicates that this missense variant is expected to disrupt ACADS protein function. In summary, the available evidence is currently insufficient to determine the role of this variant in disease. Therefore, it has been classified as a Variant of Uncertain Significance.